The following is an entry in ClinVar:

NM_198578.4(LRRK2):c.5158C>A (p.Leu1720Ile)

Gene: LRRK2 (leucine rich repeat kinase 2; plus strand). Cytogenetic location: 12q12.
Variant type: single nucleotide variant.
Coding change: c.5158C>A on transcript NM_198578.4 (MANE Select); coding-DNA position 5158, C replaced by A.
Protein change: p.Leu1720Ile; replaces leucine 1720 with isoleucine.
Molecular consequence: missense variant.
Genome position (GRCh38, 1-based): chr12:40,321,176, C>A. VCF-style: chr12-40321176-C-A. GRCh37 (hg19) VCF-style: chr12-40714978-C-A.
Other names: short protein forms L1720I.
Identifiers: ClinVar variation 3292007 (VCV003292007.1).
Genomic context (GRCh38, chr12:40,321,176, plus strand): 5'-TTTCCAATGGGATTTTGGTCAAGATTAATCAATCGATTACTTGAGATTTCACCTTACATG[C>A]TTTCAGGGAGAGGTAAGTATCTAATGAAGACTTATTAGATTTTTAGAGACTATTAATTTA-3'
Protein context (NP_940980.4, residues 1710-1730): NRLLEISPYM[Leu1720Ile]SGRERALRPN

ClinVar aggregate classification (germline): Uncertain significance (1 of 4 stars; one submission).

Conditions:
Inborn genetic diseases. Identifiers: MedGen C0950123, MeSH D030342.

gnomAD v4.1: 1 of 1,611,800 alleles (0.000062%); highest among the groups gnomAD compares: Admixed American, 0.0017%; no homozygotes.

Submission:

Ambry Genetics
Classification: Uncertain significance for Inborn genetic diseases. Last evaluated: 2024-05-10. Review status: criteria provided, single submitter. Criteria: Ambry Variant Classification Scheme 2023. Collection method: clinical testing. Allele origin: germline.
Comment: The p.L1720I variant (also known as c.5158C>A), located in coding exon 35 of the LRRK2 gene, results from a C to A substitution at nucleotide position 5158. The leucine at codon 1720 is replaced by isoleucine, an amino acid with highly similar properties. This amino acid position is conserved. In addition, the in silico prediction for this alteration is inconclusive. Based on the available evidence, the clinical significance of this variant remains unclear.